The following is an entry in ClinVar:

NM_000038.6(APC):c.1317A>G (p.Pro439=)

Gene: APC (APC regulator of Wnt signaling pathway; plus strand). Cytogenetic location: 5q22.2.
Variant type: single nucleotide variant.
Coding change: c.1317A>G on transcript NM_000038.6 (MANE Select); coding-DNA position 1317, A replaced by G.
Protein change: p.Pro439=; no amino-acid change (proline 439 retained).
Molecular consequence: synonymous variant.
Genome position (GRCh38, 1-based): chr5:112,821,900, A>G. VCF-style: chr5-112821900-A-G. GRCh37 (hg19) VCF-style: chr5-112157597-A-G.
Other names: c.1317A>G, p.Pro439= (NM_001127510.3, NM_001354895.2, NM_001354896.2); c.1263A>G, p.Pro421= (NM_001127511.3); c.1347A>G, p.Pro449= (NM_001354897.2); c.1242A>G, p.Pro414= (NM_001354898.2); c.1233A>G, p.Pro411= (NM_001354899.2); c.1140A>G, p.Pro380= (NM_001354900.2, NM_001354901.2); c.1044A>G, p.Pro348= (NM_001354902.2); c.1014A>G, p.Pro338= (NM_001354903.2); and 3 more.
Identifiers: ClinVar variation 416757 (VCV000416757.21), dbSNP rs761821491, ClinGen allele CA027174.

ClinVar aggregate classification (germline): Benign/Likely benign. Review status: criteria provided, multiple submitters, no conflicts (2 of 4 stars). 5 submissions from 5 submitters: Benign (1); Likely benign (4). Last evaluated 2025-10-01.

Conditions:
Familial adenomatous polyposis 1 (FAP1). Also called: FAMILIAL ADENOMATOUS POLYPOSIS 1, ATTENUATED; POLYPOSIS, ADENOMATOUS INTESTINAL. Identifiers: MedGen C2713442, MONDO:0021056, OMIM 175100. Disease mechanism: loss of function.
Classic or attenuated familial adenomatous polyposis. Identifiers: MedGen CN372698, MONDO:0021057.
Hereditary cancer-predisposing syndrome. Also called: Tumor predisposition; Neoplastic Syndromes, Hereditary; Hereditary neoplastic syndrome; Hereditary Cancer Syndrome. Identifiers: Orphanet 140162, MedGen C0027672, MeSH D009386, MONDO:0015356.

Allele frequency attached by ClinVar (database versions not stated): TOPMed below 0.00001; gnomAD exomes 0.00001; ExAC 0.00002.
gnomAD v4.1: 9 of 1,612,126 alleles (0.00056%); highest among the groups gnomAD compares: Admixed American, 0.0017%; no homozygotes.

Submissions (5):

Labcorp Genetics (formerly Invitae), Labcorp
Classification: Likely benign for Familial adenomatous polyposis 1. Last evaluated: 2025-10-01. Review status: criteria provided, single submitter. Criteria: Invitae Variant Classification Sherloc (09022015). Collection method: clinical testing. Allele origin: germline.

All of Us Research Program, National Institutes of Health
Classification: Likely benign for Classic or attenuated familial adenomatous polyposis. Last evaluated: 2024-04-08. Review status: criteria provided, single submitter. Criteria: ACMG Guidelines, 2015. Collection method: clinical testing. Allele origin: germline. Inheritance: Autosomal dominant inheritance. Observed: 5 variant alleles, 5 heterozygotes.
Comment: This study involves interpretation of variants in research participants for the purpose of population health screening. Participant phenotype was not available at the time of variant classification. Additional details can be found in publication PMID: 35346344, PMCID: PMC8962531

Myriad Genetics, Inc.
Classification: Benign for Familial adenomatous polyposis 1. Last evaluated: 2024-03-01. Review status: criteria provided, single submitter. Criteria: Myriad Autosomal Dominant, Autosomal Recessive and X-Linked Classification Criteria (2023). Collection method: clinical testing. Allele origin: unknown.
Comment: This variant is considered benign. This variant is a silent/synonymous amino acid change and it is not expected to impact splicing.

Color Diagnostics, LLC DBA Color Health
Classification: Likely benign for Hereditary cancer-predisposing syndrome. Last evaluated: 2016-06-19. Review status: criteria provided, single submitter. Criteria: ACMG Guidelines, 2015. Collection method: clinical testing. Allele origin: germline.

Ambry Genetics
Classification: Likely benign for Hereditary cancer-predisposing syndrome. Last evaluated: 2015-03-19. Review status: criteria provided, single submitter. Criteria: Ambry Variant Classification Scheme 2023. Collection method: clinical testing. Allele origin: germline.